The following is an entry in ClinVar:

ClinVar aggregate classification (germline): Uncertain significance (1 of 4 stars; one submission).

Submission:

Labcorp Genetics (formerly Invitae), Labcorp
Classification: Uncertain significance. Last evaluated: 2022-10-04. Review status: criteria provided, single submitter. Criteria: Invitae Variant Classification Sherloc (09022015). Collection method: clinical testing. Allele origin: germline.
Comment: This sequence change replaces proline, which is neutral and non-polar, with serine, which is neutral and polar, at codon 74 of the TPP1 protein (p.Pro74Ser). This variant is not present in population databases (gnomAD no frequency). This variant has not been reported in the literature in individuals affected with TPP1-related conditions. ClinVar contains an entry for this variant (Variation ID: 1040118). Advanced modeling of protein sequence and biophysical properties (such as structural, functional, and spatial information, amino acid conservation, physicochemical variation, residue mobility, and thermodynamic stability) performed at Invitae indicates that this missense variant is not expected to disrupt TPP1 protein function. In summary, the available evidence is currently insufficient to determine the role of this variant in disease. Therefore, it has been classified as a Variant of Uncertain Significance.

NM_000391.4(TPP1):c.220C>T (p.Pro74Ser)

Gene: TPP1 (tripeptidyl peptidase 1; minus strand). Cytogenetic location: 11p15.4.
Variant type: single nucleotide variant.
Coding change: c.220C>T on transcript NM_000391.4 (MANE Select); coding-DNA position 220, C replaced by T.
Protein change: p.Pro74Ser; replaces proline 74 with serine.
Molecular consequence: missense variant.
Genome position (GRCh38, 1-based): chr11:6,618,785, G>A on the plus strand (C>T on the coding strand, the complement: TPP1 is on the minus strand). VCF-style: chr11-6618785-G-A. GRCh37 (hg19) VCF-style: chr11-6640016-G-A.
Other names: short protein forms P74S.
Identifiers: ClinVar variation 1040118 (VCV001040118.6), dbSNP rs1855623835, ClinGen allele CA379476656.